The following is an entry in ClinVar:

NM_006506.5(RASA2):c.1934G>A (p.Gly645Asp)

Gene: RASA2 (RAS p21 protein activator 2; plus strand). Cytogenetic location: 3q23.
Variant type: single nucleotide variant.
Coding change: c.1934G>A on transcript NM_006506.5 (MANE Select); coding-DNA position 1934, G replaced by A.
Protein change: p.Gly645Asp; replaces glycine 645 with aspartic acid.
Molecular consequence: missense variant.
Genome position (GRCh38, 1-based): chr3:141,607,678, G>A. VCF-style: chr3-141607678-G-A. GRCh37 (hg19) VCF-style: chr3-141326520-G-A.
Other names: c.1937G>A, p.Ser646Asn (NM_001303245.3); c.1946G>A, p.Arg649His (NM_001303246.3); short protein forms R649H, G645D, S646N.
Identifiers: ClinVar variation 2020253 (VCV002020253.4), dbSNP rs2478868633, ClinGen allele CA354773321.

ClinVar aggregate classification (germline): Uncertain significance (1 of 4 stars; one submission).

Submission:

Labcorp Genetics (formerly Invitae), Labcorp
Classification: Uncertain significance. Last evaluated: 2022-07-29. Review status: criteria provided, single submitter. Criteria: Invitae Variant Classification Sherloc (09022015). Collection method: clinical testing. Allele origin: germline.
Comment: This variant is not present in population databases (gnomAD no frequency). This variant has not been reported in the literature in individuals affected with RASA2-related conditions. Algorithms developed to predict the effect of missense changes on protein structure and function (SIFT, PolyPhen-2, Align-GVGD) all suggest that this variant is likely to be tolerated. In summary, the available evidence is currently insufficient to determine the role of this variant in disease. Therefore, it has been classified as a Variant of Uncertain Significance. This sequence change replaces glycine, which is neutral and non-polar, with aspartic acid, which is acidic and polar, at codon 645 of the RASA2 protein (p.Gly645Asp).